The following is an entry in ClinVar:

ClinVar aggregate classification (germline): Uncertain significance (1 of 4 stars; one submission).

Submission:

Ambry Genetics
Classification: Uncertain significance. Last evaluated: 2024-10-05. Review status: criteria provided, single submitter. Criteria: Ambry Variant Classification Scheme 2023. Collection method: clinical testing. Allele origin: germline.
Comment: The p.E153K variant (also known as c.457G>A), located in coding exon 3 of the IDH1 gene, results from a G to A substitution at nucleotide position 457. The glutamic acid at codon 153 is replaced by lysine, an amino acid with similar properties. This amino acid position is conserved. In addition, this alteration is predicted to be deleterious by in silico analysis. Based on the available evidence, the clinical significance of this variant remains unclear.

NM_005896.4(IDH1):c.457G>A (p.Glu153Lys)

Gene: IDH1 (isocitrate dehydrogenase (NADP(+)) 1; minus strand). Cytogenetic location: 2q34.
Variant type: single nucleotide variant.
Coding change: c.457G>A on transcript NM_005896.4 (MANE Select); coding-DNA position 457, G replaced by A.
Protein change: p.Glu153Lys; replaces glutamic acid 153 with lysine.
Molecular consequence: missense variant.
Genome position (GRCh38, 1-based): chr2:208,245,382, C>T on the plus strand (G>A on the coding strand, the complement: IDH1 is on the minus strand). VCF-style: chr2-208245382-C-T. GRCh37 (hg19) VCF-style: chr2-209110106-C-T.
Other names: c.457G>A, p.Glu153Lys (NM_001282386.1, NM_001282387.1); short protein forms E153K.
Identifiers: ClinVar variation 3527515 (VCV003527515.1).